The following is an entry in ClinVar:

NM_000059.4(BRCA2):c.1909+9_1909+10del

Gene: BRCA2 (BRCA2 DNA repair associated; plus strand). Cytogenetic location: 13q13.1.
Variant type: Deletion.
Coding change: c.1909+9_1909+10del on transcript NM_000059.4 (MANE Select); bases 9 to 10 of the intron after coding-DNA position 1909, 2 bases deleted (GT; older notation c.1909+9_1909+10delGT).
Molecular consequence: intron variant.
Genome position (GRCh38, 1-based): chr13:32,333,396-32,333,397, GT deleted; deleting any 2 consecutive bases within chr13:32,333,395-32,333,397 gives the same sequence; the c. name uses the placement nearest the transcript's 3' end. VCF-style (leftmost placement, unchanged base first): chr13-32333394-CTG-C. GRCh37 (hg19) VCF-style: chr13-32907531-CTG-C.
Other names: c.1909+9_1909+10delGT (NM_000059.3, NM_000059.4); c.1909+8_1909+9delTG (NM_000059.3).
Identifiers: ClinVar variation 182282 (VCV000182282.45), dbSNP rs527732001, ClinGen allele CA013847.

ClinVar aggregate classification (germline): Benign/Likely benign. Review status: criteria provided, multiple submitters, no conflicts (2 of 4 stars). 15 submissions from 15 submitters: Benign (8); Likely benign (5). 2 of the submissions do not count toward it. Last evaluated 2026-02-04.

Conditions:
Hereditary cancer-predisposing syndrome. Also called: Tumor predisposition; Hereditary Cancer Syndrome; Hereditary neoplastic syndrome; Neoplastic Syndromes, Hereditary. Identifiers: Orphanet 140162, MedGen C0027672, MeSH D009386, MONDO:0015356.
Hereditary breast ovarian cancer syndrome. Also called: Hereditary breast and ovarian cancer syndrome (HBOC); BRCA1- and BRCA2-Associated Hereditary Breast and Ovarian Cancer; Hereditary breast and/or ovarian cancer syndrome; Breast and ovarian cancer; Hereditary breast and ovarian cancer syndrome; Hereditary breast and ovarian cancer. Identifiers: Orphanet 145, MedGen C0677776, MeSH D061325, MONDO:0003582. Disease mechanism: loss of function.
Breast-ovarian cancer, familial, susceptibility to, 2 (BROVCA2). Also called: BRCA2 Hereditary Breast and Ovarian Cancer. Identifiers: Orphanet 145, MedGen C2675520, MONDO:0012933, OMIM 612555. Disease mechanism: loss of function.
Malignant tumor of breast. Also called: Malignant breast neoplasm; Cancer breast. Identifiers: MedGen C0006142, MONDO:0007254. Disease mechanism: loss of function.

Submissions (15):

Labcorp Genetics (formerly Invitae), Labcorp
Classification: Benign for Hereditary breast ovarian cancer syndrome. Last evaluated: 2026-02-04. Review status: criteria provided, single submitter. Criteria: Invitae Variant Classification Sherloc (09022015). Collection method: clinical testing. Allele origin: germline.

Institute for Biomarker Research, Medical Diagnostic Laboratories, L.L.C.
Classification: Benign for Hereditary breast ovarian cancer syndrome. Last evaluated: 2025-11-13. Review status: criteria provided, single submitter. Criteria: ACMG Guidelines, 2015. Collection method: clinical testing. Allele origin: germline.
Comment: The intron variant NM_000059.4(BRCA2):c.1909+9_1909+10delGT has been reported to ClinVar as Benign/Likely benign with a status of (2 stars) criteria provided, multiple submitters, no conflicts (Accession: VCV000182282.40). The c.1909+9_1909+10delGT variant is observed in 77/14,550 (0.5292%) alleles from individuals of gnomAD African background in gnomAD. The c.1909+9_1909+10delGT variant is observed in 5/5,008 (0.0998%) alleles from individuals of 1kG All background in 1kG, which is greater than expected for the disorder. The c.1909+9_1909+10delGT variant is not predicted to disrupt the existing donor splice site 7bp upstream by any splice site algorithm. The c.1909+9_1909+10delGT variant results in a deletion of 2 bases that are not predicted conserved by GERP++ and PhyloP. For these reasons, this variant has been classified as Benign.

Dasa
Classification: Benign for Breast-ovarian cancer, familial, susceptibility to, 2. Last evaluated: 2025-11-03. Review status: criteria provided, single submitter. Criteria: DASA Assertion Criteria. Collection method: clinical testing. Allele origin: germline.
Comment: NM_000059.4(BRCA2):c.1909+9_1909+10del is a splice-region variant. Population frequency is inconsistent with a disease-causing role for this variant. Computational prediction algorithms are consistent with a benign effect. Therefore, based on the currently available evidence, this variant is classified as benign.

Center for Genomic Medicine, Rigshospitalet, Copenhagen University Hospital
Classification: Benign. Last evaluated: 2025-03-04. Review status: criteria provided, single submitter. Criteria: ACMG Guidelines, 2015. Collection method: clinical testing. Allele origin: germline.

Blueprint Genetics
Classification: Likely benign. Last evaluated: 2024-10-28. Review status: criteria provided, single submitter. Criteria: ACMG Guidelines, 2015. Collection method: clinical testing. Allele origin: germline.

ARUP Laboratories, Molecular Genetics and Genomics, ARUP Laboratories
Classification: Benign. Last evaluated: 2021-10-04. Review status: criteria provided, single submitter. Criteria: ARUP Molecular Germline Variant Investigation Process 2021. Collection method: clinical testing. Allele origin: germline.

St. Jude Molecular Pathology, St. Jude Children's Research Hospital
Classification: Likely benign for Hereditary breast ovarian cancer syndrome. Last evaluated: 2020-12-03. Review status: criteria provided, single submitter. Criteria: St. Jude Assertion Criteria 2020. Collection method: clinical testing. Allele origin: germline.
Comment: The BRCA2 c.1909+9_1909+10delGT intronic deletion has a maximum subpopulation frequency of 0.51% in gnomAD v2.1.1. This frequency is higher than would be expected for a pathogenic variant in BRCA2 (BS1; PMID: 28166811). In silico predictors are in agreement that this variant does not affect splicing (BP4). In summary, this variant meets criteria to be classified as likely benign based on the ACMG/AMP criteria: BS1, BP4.

Sema4
Classification: Benign for Hereditary cancer-predisposing syndrome. Last evaluated: 2020-10-13. Review status: criteria provided, single submitter. Criteria: Sema4 Curation Guidelines. Collection method: curation. Allele origin: germline.

Mendelics
Classification: Likely benign for Breast-ovarian cancer, familial, susceptibility to, 2. Last evaluated: 2019-05-28. Review status: criteria provided, single submitter. Criteria: Mendelics Assertion Criteria 2017. Collection method: clinical testing. Allele origin: unknown.

Genetic Services Laboratory, University of Chicago
Classification: Likely benign. Last evaluated: 2017-04-07. Review status: criteria provided, single submitter. Criteria: ACMG Guidelines, 2015. Collection method: clinical testing. Allele origin: germline. Affected: no.

Color Diagnostics, LLC DBA Color Health
Classification: Benign for Hereditary cancer-predisposing syndrome. Last evaluated: 2015-09-30. Review status: criteria provided, single submitter. Criteria: ACMG Guidelines, 2015. Collection method: clinical testing. Allele origin: germline.

Eurofins Ntd Llc (ga)
Classification: Likely benign. Last evaluated: 2014-11-04. Review status: criteria provided, single submitter. Criteria: EGL Classification Definitions 2015. Collection method: clinical testing. Allele origin: germline. Observed: 2 variant alleles, 2 heterozygotes.

GeneDx
Classification: Benign. Last evaluated: 2014-07-02. Review status: criteria provided, single submitter. Criteria: GeneDx Variant Classification (06012015). Collection method: clinical testing. Allele origin: germline. Affected: yes.
Comment: This variant is considered likely benign or benign based on one or more of the following criteria: it is a conservative change, it occurs at a poorly conserved position in the protein, it is predicted to be benign by multiple in silico algorithms, and/or has population frequency not consistent with disease.

True Health Diagnostics
Classification: Likely benign for Hereditary cancer-predisposing syndrome. Last evaluated: 2018-01-05. Review status: no assertion criteria provided. Collection method: clinical testing. Allele origin: germline. Not counted in ClinVar's aggregate classification.

Department of Pathology and Laboratory Medicine, Sinai Health System
Classification: Likely benign for breast cancer. Review status: no assertion criteria provided. Collection method: clinical testing. Allele origin: unknown. Affected: yes. Study: The Canadian Open Genetics Repository (COGR). Not counted in ClinVar's aggregate classification.
Comment: The BRCA2 c.1909+9_1909+10delGT variant was not identified in the literature nor was it identified in the COSMIC database. The variant was identified in dbSNP (rs527732001). The c.1909+9_1909+10delGT variant was identified (2x as unknown variant) in UMD database and co-occurred with 2 unknown variants on both occasions i.e. c.1798T>C (p.Tyr600His) and c.7504C>T (p.Arg2502Cys). The variant was identified in control databases in 127 of 266616 chromosomes at a frequency of 0.0004763 increasing the likelihood this could be a low frequency benign variant (Genome Aggregation Database March 6, 2019, v2.1.1). The variant was observed in the following populations: African in 119 of 23226 chromosomes (freq: 0.005124), Latino in 6 of 34390 chromosomes (freq: 0.000175), European (non-Finnish) in 2 of 120976 chromosomes (freq: 0.000017), but was not observed in the Ashkenazi Jewish, East Asian, European (Finnish), Other, or South Asian populations. The variant was identified in ClinVar (benign 4x, likely benign 5x, VUS 1x) and LOVD 3.0 (3 entries, VUS 2x, benign 1x) databases. The c.1909+9_1909+10delGT variant occurs outside of the splicing consensus sequence and five in silico or computational prediction software (SpliceSiteFinder, MaxEntScan, NNSPLICE, GeneSplicer, HumanSpliceFinder) do not predict a difference in splicing. However, this information is not predictive enough to rule out pathogenicity. In summary, based on the above information, the clinical significance of this variant cannot be determined with certainty at this time, thought we would lean toward a more benign role for this variant. This variant is classified as likely benign.